The following is an entry in ClinVar:

ClinVar aggregate classification (germline): Uncertain significance. Review status: criteria provided, multiple submitters, no conflicts (2 of 4 stars). 3 submissions from 3 submitters: Uncertain significance (3). Last evaluated 2026-08-28.

Conditions:
Nephronophthisis. Also called: Juvenile Nephronophthisis. Identifiers: Orphanet 655, MedGen C0687120, MONDO:0019005, HP:0000090.
IQCB1-related disorder. Also called: IQCB1-related condition.
Senior-Loken syndrome 5 (SLSN5). Identifiers: Orphanet 3156, MedGen C1836517, MONDO:0012225, OMIM 609254.

Allele frequency attached by ClinVar (database versions not stated): gnomAD 0.00002; TOPMed 0.00002; ExAC 0.00005; gnomAD exomes 0.00005; ESP Exome Variant Server 0.00008.
gnomAD v4.1: 73 of 1,613,732 alleles (0.0045%); highest among the groups gnomAD compares: Non-Finnish European, 0.0056%; no homozygotes.

Submissions (3):

PreventionGenetics, part of Exact Sciences
Classification: Uncertain significance for IQCB1-related condition. Last evaluated: 2026-08-28. Review status: criteria provided, single submitter. Criteria: ACMG Guidelines, 2015. Collection method: clinical testing. Allele origin: germline.
Comment: The IQCB1 c.1003A>G variant is predicted to result in the amino acid substitution p.Met335Val. To our knowledge, this variant has not been reported in the literature. This variant is present in 0.0079% of alleles in individuals of European (Non-Finnish) descent in gnomAD. At this time, the clinical significance of this variant is uncertain due to the absence of conclusive functional and genetic evidence.

Fulgent Genetics
Classification: Uncertain significance for Senior-Loken syndrome 5. Last evaluated: 2024-05-10. Review status: criteria provided, single submitter. Criteria: ACMG Guidelines, 2015. Collection method: clinical testing. Allele origin: germline.

Labcorp Genetics (formerly Invitae), Labcorp
Classification: Uncertain significance for Nephronophthisis. Last evaluated: 2022-01-16. Review status: criteria provided, single submitter. Criteria: Invitae Variant Classification Sherloc (09022015). Collection method: clinical testing. Allele origin: germline.
Comment: This sequence change replaces methionine, which is neutral and non-polar, with valine, which is neutral and non-polar, at codon 335 of the IQCB1 protein (p.Met335Val). This variant is present in population databases (rs143553764, gnomAD 0.008%). This variant has not been reported in the literature in individuals affected with IQCB1-related conditions. Algorithms developed to predict the effect of missense changes on protein structure and function (SIFT, PolyPhen-2, Align-GVGD) all suggest that this variant is likely to be tolerated. Algorithms developed to predict the effect of sequence changes on RNA splicing suggest that this variant may create or strengthen a splice site. In summary, the available evidence is currently insufficient to determine the role of this variant in disease. Therefore, it has been classified as a Variant of Uncertain Significance.

NM_001023570.4(IQCB1):c.1003A>G (p.Met335Val)

Gene: IQCB1 (IQ motif containing B1; minus strand). Cytogenetic location: 3q13.33.
Variant type: single nucleotide variant.
Coding change: c.1003A>G on transcript NM_001023570.4 (MANE Select); coding-DNA position 1003, A replaced by G.
Protein change: p.Met335Val; replaces methionine 335 with valine.
Molecular consequence: missense variant. On other transcripts: non-coding transcript variant (1).
Genome position (GRCh38, 1-based): chr3:121,790,199, T>C on the plus strand (A>G on the coding strand, the complement: IQCB1 is on the minus strand). VCF-style: chr3-121790199-T-C. GRCh37 (hg19) VCF-style: chr3-121509046-T-C.
Other names: c.604A>G, p.Met202Val (NM_001023571.4); c.1003A>G, p.Met335Val (NM_001319107.2); c.1003A>G (NM_001023570.3); short protein forms M335V, M202V.
Identifiers: ClinVar variation 1510839 (VCV001510839.6), dbSNP rs143553764, ClinGen allele CA2567219.